The following is an entry in ClinVar:

NM_001370259.2(MEN1):c.999T>C (p.Asn333=)

Gene: MEN1 (menin 1; minus strand). Cytogenetic location: 11q13.1.
Variant type: single nucleotide variant.
Coding change: c.999T>C on transcript NM_001370259.2 (MANE Select); coding-DNA position 999, T replaced by C.
Protein change: p.Asn333=; no amino-acid change (asparagine 333 retained).
Molecular consequence: synonymous variant.
Genome position (GRCh38, 1-based): chr11:64,806,282, A>G on the plus strand (T>C on the coding strand, the complement: MEN1 is on the minus strand). VCF-style: chr11-64806282-A-G. GRCh37 (hg19) VCF-style: chr11-64573754-A-G.
Other names: c.1014T>C, p.Asn338= (NM_130804.3, NM_000244.4, NM_130800.3 and 3 more transcripts); c.999T>C, p.Asn333= (NM_001370251.2, NM_001370260.2, NM_001370261.2 and 1 more transcripts); c.894T>C, p.Asn298= (NM_001370262.2, NM_001370263.2).
Identifiers: ClinVar variation 412581 (VCV000412581.18), dbSNP rs763133775, ClinGen allele CA061927.

ClinVar aggregate classification (germline): Benign/Likely benign. Review status: criteria provided, multiple submitters, no conflicts (2 of 4 stars). 5 submissions from 5 submitters: Benign (1); Likely benign (4). Last evaluated 2026-01-22.

Conditions:
Multiple endocrine neoplasia, type 1 (MEN1). Also called: MEA I; MEN I; WERMER SYNDROME; Endocrine adenomatosis multiple; MEN 1. Identifiers: Orphanet 652, MedGen C0025267, MeSH D018761, MONDO:0007540, OMIM 131100.
Hereditary cancer-predisposing syndrome. Also called: Hereditary neoplastic syndrome; Neoplastic Syndromes, Hereditary; Tumor predisposition; Hereditary Cancer Syndrome. Identifiers: Orphanet 140162, MedGen C0027672, MeSH D009386, MONDO:0015356.

Allele frequency attached by ClinVar (database versions not stated): gnomAD 0.00001; ExAC 0.00002; gnomAD exomes 0.00002 and 0.00006; TOPMed 0.00002.
gnomAD v4.1: 86 of 1,614,070 alleles (0.0053%); highest among the groups gnomAD compares: Non-Finnish European, 0.0067%; no homozygotes.

Submissions (5):

Labcorp Genetics (formerly Invitae), Labcorp
Classification: Likely benign for Multiple endocrine neoplasia, type 1. Last evaluated: 2026-01-22. Review status: criteria provided, single submitter. Criteria: Invitae Variant Classification Sherloc (09022015). Collection method: clinical testing. Allele origin: germline.

Myriad Genetics, Inc.
Classification: Benign for Multiple endocrine neoplasia, type 1. Last evaluated: 2024-11-04. Review status: criteria provided, single submitter. Criteria: Myriad Autosomal Dominant, Autosomal Recessive and X-Linked Classification Criteria (2023). Collection method: clinical testing. Allele origin: unknown.
Comment: This variant is considered benign. This variant is a silent/synonymous amino acid change and it is not expected to impact splicing.

Color Diagnostics, LLC DBA Color Health
Classification: Likely benign for Multiple endocrine neoplasia, type 1. Last evaluated: 2024-01-30. Review status: criteria provided, single submitter. Criteria: ACMG Guidelines, 2015. Collection method: clinical testing. Allele origin: germline.

Women's Health and Genetics/Laboratory Corporation of America, LabCorp
Classification: Likely benign. Last evaluated: 2022-08-04. Review status: criteria provided, single submitter. Criteria: LabCorp Variant Classification Summary - May 2015. Collection method: clinical testing. Allele origin: germline.

Ambry Genetics
Classification: Likely benign for Hereditary cancer-predisposing syndrome. Last evaluated: 2015-08-03. Review status: criteria provided, single submitter. Criteria: Ambry Variant Classification Scheme 2023. Collection method: clinical testing. Allele origin: germline.